The following is an entry in ClinVar:

NM_022041.4(GAN):c.*2498T>G

Gene: GAN (gigaxonin; plus strand). Cytogenetic location: 16q23.2.
Variant type: single nucleotide variant.
Coding change: c.*2498T>G on transcript NM_022041.4 (MANE Select); 2498 bases downstream of the stop codon, T replaced by G.
Molecular consequence: 3 prime UTR variant.
Genome position (GRCh38, 1-based): chr16:81,380,094, T>G. VCF-style: chr16-81380094-T-G. GRCh37 (hg19) VCF-style: chr16-81413699-T-G.
Other names: c.*2498T>G (NM_001377486.1).
Identifiers: ClinVar variation 320717 (VCV000320717.6), dbSNP rs2290948, ClinGen allele CA10649051.

ClinVar aggregate classification (germline): Benign. Review status: criteria provided, multiple submitters, no conflicts (2 of 4 stars). 2 submissions from 2 submitters: Benign (2). Last evaluated 2018-01-12.

Conditions:
Giant axonal neuropathy 1 (GAN1). Also called: GAN-Related Neurodegeneration; GIANT AXONAL NEUROPATHY 1, AUTOSOMAL RECESSIVE. Identifiers: Orphanet 643, MedGen C1850386, MONDO:0009749, OMIM 256850.

Allele frequency attached by ClinVar (database versions not stated): gnomAD 0.04199 and 0.04881; gnomAD exomes 0.05140; TOPMed 0.05612; 1000 Genomes Project 30x 0.11056; 1000 Genomes Project 0.11382.
gnomAD v4.1: 7,469 of 152,710 alleles (4.9%); highest among the groups gnomAD compares: East Asian, 28%; 481 homozygotes.

Submissions (2):

Illumina Laboratory Services, Illumina
Classification: Benign for Giant axonal neuropathy 1. Last evaluated: 2018-01-12. Review status: criteria provided, single submitter. Criteria: ICSL Variant Classification Criteria 13 December 2019. Collection method: clinical testing. Allele origin: germline.
Comment: This variant was observed in the ICSL laboratory as part of a predisposition screen in an ostensibly healthy population. It had not been previously curated by ICSL or reported in the Human Gene Mutation Database (HGMD: prior to June 1st, 2018), and was therefore a candidate for classification through an automated scoring system. Utilizing variant allele frequency, disease prevalence and penetrance estimates, and inheritance mode, an automated score was calculated to assess if this variant is too frequent to cause the disease. Based on the score and internal cut-off values, a variant classified as benign is not then subjected to further curation. The score for this variant resulted in a classification of benign for this disease.

Breakthrough Genomics
Classification: Benign. Review status: criteria provided, single submitter. Criteria: ACMG Guidelines, 2015. Collection method: not provided. Allele origin: germline. Inheritance: Autosomal recessive inheritance. Affected: yes.